The following is an entry in ClinVar:

NM_001609.4(ACADSB):c.1101G>A (p.Ala367=)

Gene: ACADSB (acyl-CoA dehydrogenase short/branched chain; plus strand). Cytogenetic location: 10q26.13.
Variant type: single nucleotide variant.
Coding change: c.1101G>A on transcript NM_001609.4 (MANE Select); coding-DNA position 1101, G replaced by A.
Protein change: p.Ala367=; no amino-acid change (alanine 367 retained).
Molecular consequence: synonymous variant.
Genome position (GRCh38, 1-based): chr10:123,051,159, G>A. VCF-style: chr10-123051159-G-A. GRCh37 (hg19) VCF-style: chr10-124810675-G-A.
Other names: c.795G>A, p.Ala265= (NM_001330174.3).
Identifiers: ClinVar variation 730127 (VCV000730127.12), dbSNP rs145295182, ClinGen allele CA5730910.

ClinVar aggregate classification (germline): Likely benign. Review status: criteria provided, multiple submitters, no conflicts (2 of 4 stars). 3 submissions from 3 submitters: Likely benign (2). 1 of the submissions does not count toward it. Last evaluated 2025-06-13.

Conditions:
Deficiency of 2-methylbutyryl-CoA dehydrogenase (ACADSB). Also called: 2-methylbutyrylglycinuria; 2-methylbutyryl-CoA dehydrogenase deficiency; SBCAD deficiency; 2-methylbutyric aciduria; Short branched-chain acyl-CoA dehydrogenase deficiency. Identifiers: Orphanet 79157, MedGen C1864912, MONDO:0012392, OMIM 610006, HP:0020147.
ACADSB-related disorder. Also called: ACADSB-related condition.

Allele frequency attached by ClinVar (database versions not stated): gnomAD 0.00012 and 0.00010; ESP Exome Variant Server 0.00015; 1000 Genomes Project 0.00020; 1000 Genomes Project 30x 0.00047; ExAC 0.00003; gnomAD exomes 0.00004 and 0.00007; TOPMed 0.00006.
gnomAD v4.1: 76 of 1,460,942 alleles (0.0052%); highest among the groups gnomAD compares: African/African-American, 0.038%; no homozygotes.

Submissions (3):

Labcorp Genetics (formerly Invitae), Labcorp
Classification: Likely benign for Deficiency of 2-methylbutyryl-CoA dehydrogenase. Last evaluated: 2025-06-13. Review status: criteria provided, single submitter. Criteria: Invitae Variant Classification Sherloc (09022015). Collection method: clinical testing. Allele origin: germline.

Breakthrough Genomics
Classification: Likely benign. Review status: criteria provided, single submitter. Criteria: ACMG Guidelines, 2015. Collection method: not provided. Allele origin: germline. Inheritance: Autosomal recessive inheritance. Affected: yes.

PreventionGenetics, part of Exact Sciences
Classification: Likely benign for ACADSB-related condition. Last evaluated: 2021-09-24. Review status: no assertion criteria provided. Collection method: clinical testing. Allele origin: germline. Not counted in ClinVar's aggregate classification.
Comment: This variant is classified as likely benign based on ACMG/AMP sequence variant interpretation guidelines (Richards et al. 2015 PMID: 25741868, with internal and published modifications).